The following is an entry in ClinVar:

NM_000426.4(LAMA2):c.3704G>A (p.Trp1235Ter)

Gene: LAMA2 (laminin subunit alpha 2; plus strand). Cytogenetic location: 6q22.33.
Variant type: single nucleotide variant.
Coding change: c.3704G>A on transcript NM_000426.4 (MANE Select); coding-DNA position 3704, G replaced by A.
Protein change: p.Trp1235Ter; replaces tryptophan 1235 with a stop codon.
Molecular consequence: nonsense.
Genome position (GRCh38, 1-based): chr6:129,315,624, G>A. VCF-style: chr6-129315624-G-A. GRCh37 (hg19) VCF-style: chr6-129636769-G-A.
Other names: c.3704G>A, p.Trp1235Ter (NM_001079823.2); short protein forms W1235*.
Identifiers: ClinVar variation 983921 (VCV000983921.4), dbSNP rs1774541313, ClinGen allele CA365613074.

ClinVar aggregate classification (germline): Likely pathogenic (1 of 4 stars; one submission).

Conditions:
LAMA2-related muscular dystrophy (LAMA2-RD). Also called: Laminin alpha 2-related dystrophy. Identifiers: MedGen C5679788, MONDO:0100228.

Submission:

Myriad Genetics, Inc.
Classification: Likely pathogenic for LAMA2-related muscular dystrophy. Last evaluated: 2019-01-11. Review status: criteria provided, single submitter. Criteria: Myriad Autosomal Dominant, Autosomal Recessive and X-Linked Classification Criteria (2023). Collection method: clinical testing. Allele origin: unknown.
Comment: NM_000426.3(LAMA2):c.3704G>A(W1235*) is expected to be pathogenic in the context of LAMA2-related muscular dystrophy. This variant is predicted to lead to an abnormal or absent protein product due to the creation of a premature termination codon in LAMA2, a gene where loss-of-function variants are known to be pathogenic. Please note: this variant was assessed in the context of healthy population screening.